The following is an entry in ClinVar:

ClinVar aggregate classification (germline): Uncertain significance (1 of 4 stars; one submission).

Allele frequency attached by ClinVar (database versions not stated): gnomAD exomes below 0.00001.
gnomAD v4.1: 1 of 1,614,172 alleles (0.000062%); highest among the groups gnomAD compares: Admixed American, 0.0017%; no homozygotes.

Submission:

Labcorp Genetics (formerly Invitae), Labcorp
Classification: Uncertain significance. Last evaluated: 2023-04-12. Review status: criteria provided, single submitter. Criteria: Invitae Variant Classification Sherloc (09022015). Collection method: clinical testing. Allele origin: germline.
Comment: This sequence change replaces threonine, which is neutral and polar, with alanine, which is neutral and non-polar, at codon 21 of the BACH2 protein (p.Thr21Ala). This variant is not present in population databases (gnomAD no frequency). This variant has not been reported in the literature in individuals affected with BACH2-related conditions. ClinVar contains an entry for this variant (Variation ID: 1951296). Advanced modeling of protein sequence and biophysical properties (such as structural, functional, and spatial information, amino acid conservation, physicochemical variation, residue mobility, and thermodynamic stability) performed at Invitae indicates that this missense variant is not expected to disrupt BACH2 protein function. In summary, the available evidence is currently insufficient to determine the role of this variant in disease. Therefore, it has been classified as a Variant of Uncertain Significance.

NM_021813.4(BACH2):c.61A>G (p.Thr21Ala)

Gene: BACH2 (BACH transcriptional regulator 2; minus strand). Cytogenetic location: 6q15.
Variant type: single nucleotide variant.
Coding change: c.61A>G on transcript NM_021813.4 (MANE Select); coding-DNA position 61, A replaced by G.
Protein change: p.Thr21Ala; replaces threonine 21 with alanine.
Molecular consequence: missense variant.
Genome position (GRCh38, 1-based): chr6:90,008,784, T>C on the plus strand (A>G on the coding strand, the complement: BACH2 is on the minus strand). VCF-style: chr6-90008784-T-C. GRCh37 (hg19) VCF-style: chr6-90718503-T-C.
Other names: c.61A>G, p.Thr21Ala (NM_001170794.2); short protein forms T21A.
Identifiers: ClinVar variation 1951296 (VCV001951296.5), dbSNP rs2533639266, ClinGen allele CA365069543.